The following is an entry in ClinVar:

NM_001388367.1(NBPF9):c.3204C>T (p.His1068=)

Gene: NBPF9 (NBPF member 9; minus strand). Cytogenetic location: 1q21.2.
Variant type: single nucleotide variant.
Coding change: c.3204C>T on transcript NM_001388367.1 (MANE Select); coding-DNA position 3204, C replaced by T.
Protein change: p.His1068=; no amino-acid change (histidine 1068 retained).
Molecular consequence: synonymous variant.
Genome position (GRCh38, 1-based): chr1:149,055,788, G>A on the plus strand (C>T on the coding strand, the complement: NBPF9 is on the minus strand). VCF-style: chr1-149055788-G-A. GRCh37 (hg19) VCF-style: chr1-144828652-C-T.
Other names: c.2697C>T, p.His899= (NM_001037675.4, NM_001388372.1, NM_001388373.1 and 10 more transcripts); c.3204C>T, p.His1068= (NM_001277444.2, NM_001388366.1, NM_001388368.1 and 2 more transcripts); c.3093C>T, p.His1031= (NM_001388371.1).
Identifiers: ClinVar variation 4280771 (VCV004280771.7).
Genomic context (GRCh38, chr1:149,055,788, plus strand): 5'-GTCCACGTAAAGGGCGAAGCTGATGTGCTGTTCCTCAAATGAGTAAAACACACTTCTGTA[G>A]TGCTGGAATGAGTCAGGTAGTTCAAAGTACATTGACGGAGTAGAATAACATCCATCCAGT-3'
Protein context (NP_001375296.1, residues 1058-1078): MYFELPDSFQ[His1068=]YRSVFYSFEE

ClinVar aggregate classification (germline): Likely benign (1 of 4 stars; one submission).

gnomAD v4.1: 1,379 of 1,611,428 alleles (0.086%); highest among the groups gnomAD compares: South Asian, 0.13%; 6 homozygotes.

Submission:

CeGaT Center for Human Genetics Tuebingen
Classification: Likely benign. Last evaluated: 2025-09-01. Review status: criteria provided, single submitter. Criteria: CeGaT Center For Human Genetics Tuebingen Variant Classification Criteria Version 2. Collection method: clinical testing. Allele origin: germline. Affected: yes. Observed: 1 variant allele.
Comment: NBPF9: BP4, BP7